The following is an entry in ClinVar:

NM_004519.4(KCNQ3):c.934A>G (p.Ile312Val)

Gene: KCNQ3 (potassium voltage-gated channel subfamily Q member 3; minus strand). Cytogenetic location: 8q24.22.
Variant type: single nucleotide variant.
Coding change: c.934A>G on transcript NM_004519.4 (MANE Select); coding-DNA position 934, A replaced by G.
Protein change: p.Ile312Val; replaces isoleucine 312 with valine.
Molecular consequence: missense variant.
Genome position (GRCh38, 1-based): chr8:132,174,349, T>C on the plus strand (A>G on the coding strand, the complement: KCNQ3 is on the minus strand). VCF-style: chr8-132174349-T-C. GRCh37 (hg19) VCF-style: chr8-133186596-T-C.
Other names: c.574A>G, p.Ile192Val (NM_001204824.2); c.934A>G (NM_004519.3); short protein forms I312V, I192V.
Identifiers: ClinVar variation 3705522 (VCV003705522.3).

ClinVar aggregate classification (germline): Uncertain significance. Review status: criteria provided, multiple submitters, no conflicts (2 of 4 stars). 2 submissions from 2 submitters: Uncertain significance (2). Last evaluated 2026-08-21.

Conditions:
Benign neonatal seizures. Also called: Benign familial neonatal epilepsy; Benign familial neonatal seizures; Convulsions benign familial neonatal dominant form; Autosomal dominant form of benign neonatal seizures; Benign neonatal familial convulsions. Identifiers: Orphanet 1949, MedGen C0220669, MONDO:0016027.
KCNQ3-related disorder. Also called: KCNQ3-Related Disorders; KCNQ3-related condition. Identifiers: MedGen CN381530.

gnomAD v4.1: 2 of 1,550,168 alleles (0.00013%); highest among the groups gnomAD compares: Admixed American, 0.0039%; no homozygotes.

Submissions (2):

PreventionGenetics, part of Exact Sciences
Classification: Uncertain significance for KCNQ3-related condition. Last evaluated: 2026-08-21. Review status: criteria provided, single submitter. Criteria: ACMG Guidelines, 2015. Collection method: clinical testing. Allele origin: germline.
Comment: The KCNQ3 c.934A>G variant is predicted to result in the amino acid substitution p.Ile312Val. To our knowledge, this variant has not been reported in the literature or in a large population database (gnomAD), indicating this variant is rare. At this time, the clinical significance of this variant is uncertain due to the absence of conclusive functional and genetic evidence.

Labcorp Genetics (formerly Invitae), Labcorp
Classification: Uncertain significance for Benign neonatal seizures. Last evaluated: 2025-12-03. Review status: criteria provided, single submitter. Criteria: Invitae Variant Classification Sherloc (09022015). Collection method: clinical testing. Allele origin: germline.
Comment: This sequence change replaces isoleucine, which is neutral and non-polar, with valine, which is neutral and non-polar, at codon 312 of the KCNQ3 protein (p.Ile312Val). This variant is not present in population databases (gnomAD no frequency). This variant has not been reported in the literature in individuals affected with KCNQ3-related conditions. ClinVar contains an entry for this variant (Variation ID: 3705522). An algorithm developed to predict the effect of missense changes on protein structure and function (PolyPhen-2) suggests that this variant is likely to be disruptive. In summary, the available evidence is currently insufficient to determine the role of this variant in disease. Therefore, it has been classified as a Variant of Uncertain Significance.